The following is an entry in ClinVar:

NM_015065.3(EXPH5):c.1794A>G (p.Val598=)

Gene: EXPH5 (exophilin 5; minus strand). Cytogenetic location: 11q22.3.
Variant type: single nucleotide variant.
Coding change: c.1794A>G on transcript NM_015065.3 (MANE Select); coding-DNA position 1794, A replaced by G.
Protein change: p.Val598=; no amino-acid change (valine 598 retained).
Molecular consequence: synonymous variant.
Genome position (GRCh38, 1-based): chr11:108,513,713, T>C on the plus strand (A>G on the coding strand, the complement: EXPH5 is on the minus strand). VCF-style: chr11-108513713-T-C. GRCh37 (hg19) VCF-style: chr11-108384440-T-C.
Other names: c.1566A>G, p.Val522= (NM_001144763.2); c.1326A>G, p.Val442= (NM_001144764.2); c.1230A>G, p.Val410= (NM_001144765.2); c.1773A>G, p.Val591= (NM_001308019.2).
Identifiers: ClinVar variation 3040496 (VCV003040496.3), dbSNP rs201887546, ClinGen allele CA6267975.

ClinVar aggregate classification (germline): Likely benign. Review status: criteria provided, single submitter (1 of 4 stars). 2 submissions from 2 submitters: Likely benign (1). 1 of the submissions does not count toward it. Last evaluated 2024-11-19.

Conditions:
EXPH5-related disorder. Also called: EXPH5-related condition.

Allele frequency attached by ClinVar (database versions not stated): gnomAD 0.00001; TOPMed 0.00002; gnomAD exomes 0.00003; ExAC 0.00004.
gnomAD v4.1: 46 of 1,612,626 alleles (0.0029%); highest among the groups gnomAD compares: Non-Finnish European, 0.0039%; no homozygotes.

Submissions (2):

Blueprint Genetics
Classification: Likely benign. Last evaluated: 2024-11-19. Review status: criteria provided, single submitter. Criteria: ACMG Guidelines, 2015. Collection method: clinical testing. Allele origin: germline.

PreventionGenetics, part of Exact Sciences
Classification: Likely benign for EXPH5-related condition. Last evaluated: 2019-09-11. Review status: no assertion criteria provided. Collection method: clinical testing. Allele origin: germline. Not counted in ClinVar's aggregate classification.
Comment: This variant is classified as likely benign based on ACMG/AMP sequence variant interpretation guidelines (Richards et al. 2015 PMID: 25741868, with internal and published modifications).